The following is an entry in ClinVar:

ClinVar aggregate classification (germline): Conflicting classifications of pathogenicity. Review status: criteria provided, conflicting classifications (1 of 4 stars). 9 submissions from 9 submitters: Uncertain significance (4); Likely benign (4). 1 of the submissions does not count toward it. Last evaluated 2026-04-06.

Conditions:
Hereditary cancer-predisposing syndrome. Also called: Neoplastic Syndromes, Hereditary; Hereditary neoplastic syndrome; Tumor predisposition; Hereditary Cancer Syndrome. Identifiers: Orphanet 140162, MedGen C0027672, MeSH D009386, MONDO:0015356.
Familial cancer of breast. Also called: Hereditary breast cancer; hereditary breast carcinoma; BREAST CANCER, FAMILIAL. Identifiers: Orphanet 227535, MedGen C0346153, MONDO:0016419, OMIM 114480. Disease mechanism: loss of function.
Breast-ovarian cancer, familial, susceptibility to, 2 (BROVCA2). Also called: BRCA2 Hereditary Breast and Ovarian Cancer. Identifiers: Orphanet 145, MedGen C2675520, MONDO:0012933, OMIM 612555. Disease mechanism: loss of function.
Hereditary breast ovarian cancer syndrome. Also called: Hereditary breast and/or ovarian cancer syndrome; Hereditary breast and ovarian cancer; Hereditary breast and ovarian cancer syndrome (HBOC); Breast and ovarian cancer; BRCA1- and BRCA2-Associated Hereditary Breast and Ovarian Cancer; Hereditary breast and ovarian cancer syndrome. Identifiers: Orphanet 145, MedGen C0677776, MeSH D061325, MONDO:0003582. Disease mechanism: loss of function.

Allele frequency attached by ClinVar (database versions not stated): gnomAD below 0.00001 and 0.00001; gnomAD exomes below 0.00001.
gnomAD v4.1: 6 of 1,613,886 alleles (0.00037%); highest among the groups gnomAD compares: South Asian, 0.0011%; no homozygotes.

Submissions (9):

Ambry Genetics
Classification: Likely benign for Hereditary cancer-predisposing syndrome. Last evaluated: 2026-04-06. Review status: criteria provided, single submitter. Criteria: Ambry Variant Classification Scheme 2023. Collection method: clinical testing. Allele origin: germline.

Labcorp Genetics (formerly Invitae), Labcorp
Classification: Uncertain significance for Hereditary breast ovarian cancer syndrome. Last evaluated: 2025-06-03. Review status: criteria provided, single submitter. Criteria: Invitae Variant Classification Sherloc (09022015). Collection method: clinical testing. Allele origin: germline.
Comment: This sequence change replaces threonine, which is neutral and polar, with alanine, which is neutral and non-polar, at codon 544 of the BRCA2 protein (p.Thr544Ala). This variant is not present in population databases (gnomAD no frequency). This variant has not been reported in the literature in individuals affected with BRCA2-related conditions. ClinVar contains an entry for this variant (Variation ID: 51159). Invitae Evidence Modeling of protein sequence and biophysical properties (such as structural, functional, and spatial information, amino acid conservation, physicochemical variation, residue mobility, and thermodynamic stability) indicates that this missense variant is not expected to disrupt BRCA2 protein function with a negative predictive value of 95%. In summary, the available evidence is currently insufficient to determine the role of this variant in disease. Therefore, it has been classified as a Variant of Uncertain Significance.

Quest Diagnostics Nichols Institute San Juan Capistrano
Classification: Uncertain significance. Last evaluated: 2023-10-18. Review status: criteria provided, single submitter. Criteria: Quest Diagnostics criteria. Collection method: clinical testing. Allele origin: unknown.
Comment: The BRCA2 c.1630A>G (p.Thr544Ala) variant has been reported to be located in a region of the BRCA2 gene that is tolerant to missense sequence changes (PMID: 31911673 (2020)). To the best of our knowledge, this variant has not been reported in individuals with BRCA2-related disorders. The frequency of this variant in the general population, 0.0000066 (1/152244 chromosomes (Genome Aggregation Database)), is uninformative in the assessment of its pathogenicity. Analysis of this variant using bioinformatics tools for the prediction of the effect of amino acid changes on protein structure and function yielded predictions that this variant is benign. Based on the available information, we are unable to determine the clinical significance of this variant.

Women's Health and Genetics/Laboratory Corporation of America, LabCorp
Classification: Uncertain significance. Last evaluated: 2023-04-06. Review status: criteria provided, single submitter. Criteria: LabCorp Variant Classification Summary - May 2015. Collection method: clinical testing. Allele origin: germline.

University of Washington Department of Laboratory Medicine, University of Washington
Classification: Likely benign for Hereditary cancer-predisposing syndrome. Last evaluated: 2023-03-23. Review status: criteria provided, single submitter. Criteria: Dines et al. (Genet Med. 2020). Collection method: curation. Allele origin: germline.
Comment: Missense variant in a coldspot region where missense variants are very unlikely to be pathogenic (PMID:31911673).

BRCA2 exon 10 coldspot. Reclassification based on statistical prior probability.

GeneDx
Classification: Uncertain significance. Last evaluated: 2022-03-30. Review status: criteria provided, single submitter. Criteria: GeneDx Variant Classification Process June 2021. Collection method: clinical testing. Allele origin: germline. Affected: yes.
Comment: Not observed at significant frequency in large population cohorts (gnomAD); In silico analysis supports that this missense variant does not alter protein structure/function; Has not been previously published as pathogenic or benign to our knowledge; Also known as 1858A>G; This variant is associated with the following publications: (PMID: 10923033, 31131967)

Department of Pathology and Laboratory Medicine, Sinai Health System
Classification: Likely benign for Familial cancer of breast; Breast-ovarian cancer, familial, susceptibility to, 2. Last evaluated: 2019-10-24. Review status: criteria provided, single submitter. Criteria: ACMG Guidelines, 2015. Collection method: clinical testing. Allele origin: germline. Affected: yes.

Color Diagnostics, LLC DBA Color Health
Classification: Likely benign for Hereditary cancer-predisposing syndrome. Last evaluated: 2016-07-18. Review status: criteria provided, single submitter. Criteria: ACMG Guidelines, 2015. Collection method: clinical testing. Allele origin: germline.

Breast Cancer Information Core (BIC) (BRCA2)
Classification: Uncertain significance for Breast-ovarian cancer, familial 2. Last evaluated: 2001-10-29. Review status: no assertion criteria provided. Collection method: clinical testing. Allele origin: germline. Affected: yes. Observed: 1 variant allele. Not counted in ClinVar's aggregate classification.

Literature cited by the submitters: PubMed 31911673 (cited by Quest Diagnostics Nichols Institute San Juan Capistrano).

NM_000059.4(BRCA2):c.1630A>G (p.Thr544Ala)

Gene: BRCA2 (BRCA2 DNA repair associated; plus strand). Cytogenetic location: 13q13.1.
Variant type: single nucleotide variant.
Coding change: c.1630A>G on transcript NM_000059.4 (MANE Select); coding-DNA position 1630, A replaced by G.
Protein change: p.Thr544Ala; replaces threonine 544 with alanine.
Molecular consequence: missense variant.
Genome position (GRCh38, 1-based): chr13:32,333,108, A>G. VCF-style: chr13-32333108-A-G. GRCh37 (hg19) VCF-style: chr13-32907245-A-G.
Other names: short protein forms T544A.
Identifiers: ClinVar variation 51159 (VCV000051159.28), dbSNP rs80358447, ClinGen allele CA012682.